The following is an entry in ClinVar:

NM_006509.4(RELB):c.422G>A (p.Arg141His)

Gene: RELB (RELB proto-oncogene, NF-kB subunit; plus strand). Cytogenetic location: 19q13.32.
Variant type: single nucleotide variant.
Coding change: c.422G>A on transcript NM_006509.4 (MANE Select); coding-DNA position 422, G replaced by A.
Protein change: p.Arg141His; replaces arginine 141 with histidine.
Molecular consequence: missense variant.
Genome position (GRCh38, 1-based): chr19:45,012,194, G>A. VCF-style: chr19-45012194-G-A. GRCh37 (hg19) VCF-style: chr19-45515452-G-A.
Other names: c.413G>A, p.Arg138His (NM_001411087.1); short protein forms R138H, R141H.
Identifiers: ClinVar variation 3639128 (VCV003639128.2).

ClinVar aggregate classification (germline): Uncertain significance (1 of 4 stars; one submission).

Submission:

Labcorp Genetics (formerly Invitae), Labcorp
Classification: Uncertain significance. Last evaluated: 2024-02-06. Review status: criteria provided, single submitter. Criteria: Invitae Variant Classification Sherloc (09022015). Collection method: clinical testing. Allele origin: germline.
Comment: This sequence change replaces arginine, which is basic and polar, with histidine, which is basic and polar, at codon 141 of the RELB protein (p.Arg141His). This variant is not present in population databases (gnomAD no frequency). This variant has not been reported in the literature in individuals affected with RELB-related conditions. An algorithm developed to predict the effect of missense changes on protein structure and function (PolyPhen-2) suggests that this variant is likely to be disruptive. In summary, the available evidence is currently insufficient to determine the role of this variant in disease. Therefore, it has been classified as a Variant of Uncertain Significance.